The following is an entry in ClinVar:

ClinVar aggregate classification (germline): Pathogenic/Likely pathogenic. Review status: criteria provided, multiple submitters, no conflicts (2 of 4 stars). 9 submissions from 9 submitters: Pathogenic (5); Likely pathogenic (2). 2 of the submissions do not count toward it. Last evaluated 2025-09-08.

Conditions:
INPP5E-related disorder. Also called: INPP5E-related condition.
Inborn genetic diseases. Identifiers: MedGen C0950123, MeSH D030342.
Joubert syndrome and related disorders. Identifiers: Orphanet 140874, MedGen C5679612, MONDO:0015369.
Chronic lung disease. Identifiers: MedGen C0746102, HP:0006528.
Respiratory failure. Identifiers: MedGen C1145670, MONDO:0021113, HP:0002878.
Hemivertebrae. Identifiers: MedGen C0265677, HP:0002937.
Abnormal pulmonary interstitial morphology. Also called: Interstitial pulmonary abnormality; Interstitial lung disease. Identifiers: Orphanet 182095, MedGen C5441745, MeSH D017563, MONDO:0015925, HP:0006530.
Coat hanger sign of ribs. Identifiers: MedGen C4025010, HP:0006665.
Vertebral segmentation defect. Identifiers: MedGen C0432163, HP:0003422.
Absent epiphyses. Identifiers: MedGen C4021862, HP:0010577.
Micrognathia. Also called: Mandibular hypoplasia. Identifiers: MedGen C0025990, HP:0000347.
Patent ductus arteriosus. Identifiers: MedGen C0013274, MONDO:0011827, HP:0001643.
Clubfoot. Also called: Club foot; CLUBFOOT, CONGENITAL, WITH OR WITHOUT DEFICIENCY OF LONG BONES AND/OR MIRROR-IMAGE POLYDACTYLY; congenital talipes equinovarus; Clubfeet; Talipes equinovarus. Identifiers: Orphanet 199315, MedGen C0009081, MONDO:0007342, OMIM 119800, HP:0001762.
Vertebral hypoplasia. Identifiers: MedGen C0345394, HP:0008417.
Preaxial foot polydactyly. Identifiers: MedGen C2112942, HP:0001841.
Cleft palate. Identifiers: Orphanet 2014, MedGen C2981150, MONDO:0016064, HP:0000175.
Skeletal dysplasia. Also called: Primary bone dysplasia. Identifiers: Orphanet 364526, MedGen C0410528, MONDO:0018230, HP:0002652.
Pseudoarthrosis. Identifiers: MedGen C0033785, HP:0005864.
Short femur. Also called: Congenital short femur. Identifiers: Orphanet 1987, MedGen C0345375, MONDO:0016032, HP:0003097.
MORM syndrome (MORMS). Identifiers: Orphanet 75858, MedGen C1857802, MONDO:0012423, OMIM 610156.
Joubert syndrome 1 (JBTS1). Also called: CEREBELLOPARENCHYMAL DISORDER IV; Cerebellooculorenal syndrome 1. Identifiers: MedGen C4551568, MONDO:0008944, OMIM 213300.
Joubert syndrome. Also called: JOUBERT-BOLTSHAUSER SYNDROME; Familial aplasia of the vermis. Identifiers: Orphanet 475, MedGen C5979921, MONDO:0018772.

Allele frequency attached by ClinVar (database versions not stated): ExAC 0.00004; TOPMed 0.00002.
gnomAD v4.1: 25 of 1,304,334 alleles (0.0019%); highest among the groups gnomAD compares: African/African-American, 0.0073%; no homozygotes.

Submissions (9):

Labcorp Genetics (formerly Invitae), Labcorp
Classification: Pathogenic for Joubert syndrome. Last evaluated: 2025-09-08. Review status: criteria provided, single submitter. Criteria: Invitae Variant Classification Sherloc (09022015). Collection method: clinical testing. Allele origin: germline.
Comment: This sequence change replaces arginine, which is basic and polar, with cysteine, which is neutral and slightly polar, at codon 378 of the INPP5E protein (p.Arg378Cys). This variant is present in population databases (rs121918130, gnomAD 0.02%). This missense change has been observed in individual(s) with Joubert syndrome (PMID: 15786477, 19668216). It has also been observed to segregate with disease in related individuals. ClinVar contains an entry for this variant (Variation ID: 400). Invitae Evidence Modeling of protein sequence and biophysical properties (such as structural, functional, and spatial information, amino acid conservation, physicochemical variation, residue mobility, and thermodynamic stability) indicates that this missense variant is expected to disrupt INPP5E protein function with a positive predictive value of 95%. Experimental studies have shown that this missense change affects INPP5E function (PMID: 19668216). This variant disrupts the p.Arg378 amino acid residue in INPP5E. Other variant(s) that disrupt this residue have been observed in individuals with INPP5E-related conditions (PMID: 29186038), which suggests that this may be a clinically significant amino acid residue. For these reasons, this variant has been classified as Pathogenic.

GeneDx
Classification: Pathogenic. Last evaluated: 2025-07-11. Review status: criteria provided, single submitter. Criteria: GeneDx Variant Classification Process June 2021. Collection method: clinical testing. Allele origin: germline. Affected: yes.
Comment: Published functional studies demonstrate a damaging effect: inability to block Akt phosphorylation in the presence of PDGF stimulation (PMID: 19668216); In silico analysis supports that this missense variant has a deleterious effect on protein structure/function; This variant is associated with the following publications: (PMID: 19668216, 23022135, 27401686, 31964843, 36460718, 33749171, 23386033, 15786477, 30755392, 34188062)

Department of Pathology and Laboratory Medicine, Sinai Health System
Classification: Pathogenic for Joubert syndrome 1; MORM syndrome. Last evaluated: 2022-08-22. Review status: criteria provided, single submitter. Criteria: ACMG Guidelines, 2015. Collection method: research. Allele origin: germline.

Women's Health and Genetics/Laboratory Corporation of America, LabCorp
Classification: Pathogenic for Joubert syndrome and related disorders. Last evaluated: 2022-05-31. Review status: criteria provided, single submitter. Criteria: LabCorp Variant Classification Summary - May 2015. Collection method: clinical testing. Allele origin: germline.
Comment: Variant summary: INPP5E c.1132C>T (p.Arg378Cys) results in a non-conservative amino acid change located in the Inositol polyphosphate-related phosphatase domain (IPR000300) of the encoded protein sequence. Five of five in-silico tools predict a damaging effect of the variant on protein function. The variant allele was found at a frequency of 3.4e-05 in 236434 control chromosomes. c.1132C>T has been reported in the literature in multiple individuals affected with Joubert Syndrome And Related Disorders (example, Bielas_2009, Sangermano_2021, Sheck_2021). These data indicate that the variant is very likely to be associated with disease. At least one publication reports experimental evidence evaluating an impact on protein function (example, Bielas_2009). The most pronounced variant effect results in approximately 50% of normal 5'-phosphatase activity towards PtdIns(4,5)P2 as substrate corroborated by a zebrafish model (Xu_2017). Three clinical diagnostic laboratories have submitted clinical-significance assessments for this variant to ClinVar after 2014 without evidence for independent evaluation. All laboratories classified the variant as pathogenic/likely pathogenic. Based on the evidence outlined above, the variant was classified as pathogenic.

Ambry Genetics
Classification: Likely pathogenic for Inborn genetic diseases. Last evaluated: 2018-02-28. Review status: criteria provided, single submitter. Criteria: Ambry exome assertion method (8-5-2015). Collection method: clinical testing. Allele origin: germline. Affected: yes. Observed: 1 variant allele.

Center for Personalized Medicine, Children's Hospital Los Angeles
Classification: Pathogenic for Absent epiphyses; Chronic lung disease; Cleft palate; Coat hanger sign of ribs; Hemivertebrae; Abnormal pulmonary interstitial morphology; Micrognathia; Patent ductus arteriosus; Preaxial foot polydactyly; Pseudoarthrosis; Respiratory failure; Short femur; Skeletal dysplasia; Clubfoot; Vertebral hypoplasia; Vertebral segmentation defect. Review status: criteria provided, single submitter. Criteria: ACMG Guidelines, 2015. Collection method: clinical testing. Allele origin: germline. Affected: yes.

Juno Genomics, Hangzhou Juno Genomics, Inc
Classification: Likely pathogenic for MORM syndrome; Joubert syndrome 1. Review status: criteria provided, single submitter. Criteria: ACMG Guidelines, 2015. Collection method: clinical testing. Allele origin: germline.
Comment: Absent from controls (or at extremely low frequency if recessive) in Genome Aggregation Database.;Well-established in vitro or in vivo functional studies supportive of a damaging effect on the gene or gene product.;For recessive disorders, detected in trans with a pathogenic variant.;Co-segregation with disease in multiple affected family members.

PreventionGenetics, part of Exact Sciences
Classification: Likely pathogenic for INPP5E-related condition. Last evaluated: 2024-02-01. Review status: no assertion criteria provided. Collection method: clinical testing. Allele origin: germline. Not counted in ClinVar's aggregate classification.
Comment: The INPP5E c.1132C>T variant is predicted to result in the amino acid substitution p.Arg378Cys. This variant has been reported in the homozygous state in two related individuals with Joubert Syndrome; an in vitro enzymatic assay in this same study showed the p.Arg378Cys variant has impaired 5-phosphatase activity compared to wildtype (Bielas et al 2009. PubMed ID: 19668216). This variant has also been reported in an additional individual with retinal disease (Table S1, Karali et al. 2022. PubMed ID: 36460718). This variant is reported in 0.021% of alleles in individuals of African descent in gnomAD. A different substitution of this amino acid (p.Arg378His) has also been reported in the compound heterozygous state in an individual with Leber congenital amaurosis (Porto et al. 2017. PubMed ID: 29186038). Given the evidence, we interpret c.1132C>T (p.Arg378Cys) as likely pathogenic.

OMIM
Classification: Pathogenic for JOUBERT SYNDROME 1. Last evaluated: 2009-09-01. Review status: no assertion criteria provided. Collection method: literature only. Allele origin: germline. Not counted in ClinVar's aggregate classification.

Literature cited by the submitters: PubMed 15786477 (cited by Labcorp Genetics (formerly Invitae), Labcorp); PubMed 19668216 (cited by 4 submitters); PubMed 29186038 (cited by Labcorp Genetics (formerly Invitae), Labcorp); PubMed 34188062 (cited by Women's Health and Genetics/Laboratory Corporation of America, LabCorp); PubMed 33749171 (cited by Women's Health and Genetics/Laboratory Corporation of America, LabCorp); PubMed 27401686 (cited by Women's Health and Genetics/Laboratory Corporation of America, LabCorp); PubMed 26748598 (cited by Women's Health and Genetics/Laboratory Corporation of America, LabCorp).

NM_019892.6(INPP5E):c.1132C>T (p.Arg378Cys)

Gene: INPP5E (inositol polyphosphate-5-phosphatase E; minus strand). Cytogenetic location: 9q34.3.
Variant type: single nucleotide variant.
Coding change: c.1132C>T on transcript NM_019892.6 (MANE Select); coding-DNA position 1132, C replaced by T.
Protein change: p.Arg378Cys; replaces arginine 378 with cysteine.
Molecular consequence: missense variant.
Genome position (GRCh38, 1-based): chr9:136,433,182, G>A on the plus strand (C>T on the coding strand, the complement: INPP5E is on the minus strand). VCF-style: chr9-136433182-G-A. GRCh37 (hg19) VCF-style: chr9-139327634-G-A.
Other names: c.1132C>T, p.Arg378Cys (NM_001318502.2); short protein forms R378C.
Identifiers: ClinVar variation 400 (VCV000000400.28), dbSNP rs121918130, ClinGen allele CA259598.